The following is an entry in ClinVar:

NM_004329.3(BMPR1A):c.230+1_230+2dup

Gene: BMPR1A (bone morphogenetic protein receptor type 1A; plus strand). Cytogenetic location: 10q23.2.
Variant type: Duplication.
Coding change: c.230+1_230+2dup on transcript NM_004329.3 (MANE Select); the canonical splice donor site of the intron after coding-DNA position 230, 2 bases duplicated (GT; older notation c.230+1_230+2dupGT).
Molecular consequence: splice donor variant.
Genome position (GRCh38, 1-based): chr10:86,890,225-86,890,226, GT duplicated; duplicating any 2 consecutive bases within chr10:86,890,224-86,890,226 gives the same sequence; the c. name uses the placement nearest the transcript's 3' end. VCF-style (leftmost placement, unchanged base first): chr10-86890223-A-ATG. GRCh37 (hg19) VCF-style: chr10-88649980-A-ATG.
Other names: c.230+1_230+2dup (NM_001406562.1, NM_001406568.1, NM_001406567.1 and 23 more transcripts); c.146+1_146+2dup (NM_001406584.1, NM_001406588.1, NM_001406587.1 and 2 more transcripts).
Identifiers: ClinVar variation 5042307 (VCV005042307.1).

ClinVar aggregate classification (germline): Likely pathogenic (1 of 4 stars; one submission).

Conditions:
Juvenile polyposis syndrome (JPS). Identifiers: Orphanet 2929, MedGen C0345893, MONDO:0017380, OMIM 174900.

Submission:

Myriad Genetics, Inc.
Classification: Likely pathogenic for Juvenile polyposis syndrome. Last evaluated: 2026-09-30. Review status: criteria provided, single submitter. Criteria: Myriad Autosomal Dominant, Autosomal Recessive and X-Linked Classification Criteria (2023). Collection method: clinical testing. Allele origin: unknown.
Comment: This variant is considered likely pathogenic. This variant creates a frameshift predicted to result in premature protein truncation.